The following is an entry in ClinVar:

ClinVar aggregate classification (germline): Uncertain significance (1 of 4 stars; one submission).

Conditions:
Arrhythmogenic cardiomyopathy with wooly hair and keratoderma. Also called: Arrhythmogenic cardiomyopathy with woolly hair and keratoderma; PALMOPLANTAR KERATODERMA WITH LEFT VENTRICULAR CARDIOMYOPATHY AND WOOLLY HAIR; Dilated cardiomyopathy with woolly hair and keratoderma; Carvajal syndrome. Identifiers: Orphanet 65282, MedGen C1854063, MONDO:0011581, OMIM 605676.
Arrhythmogenic right ventricular dysplasia 8 (ARVD8). Also called: Arrhythmogenic Right Ventricular Dysplasia/Cardiomyopathy 8; ARRHYTHMOGENIC RIGHT VENTRICULAR DYSPLASIA, FAMILIAL, 8; ARRHYTHMOGENIC RIGHT VENTRICULAR CARDIOMYOPATHY 8. Identifiers: MedGen C1843896, MONDO:0011831, OMIM 607450.

Submission:

Labcorp Genetics (formerly Invitae), Labcorp
Classification: Uncertain significance for Arrhythmogenic cardiomyopathy with wooly hair and keratoderma; Arrhythmogenic right ventricular dysplasia 8. Last evaluated: 2021-08-12. Review status: criteria provided, single submitter. Criteria: Invitae Variant Classification Sherloc (09022015). Collection method: clinical testing. Allele origin: germline.
Comment: This variant has not been reported in the literature in individuals affected with DSP-related conditions. In summary, the available evidence is currently insufficient to determine the role of this variant in disease. Therefore, it has been classified as a Variant of Uncertain Significance. Algorithms developed to predict the effect of missense changes on protein structure and function (SIFT, PolyPhen-2, Align-GVGD) all suggest that this variant is likely to be tolerated. This variant is not present in population databases (ExAC no frequency). This sequence change replaces arginine with glycine at codon 1244 of the DSP protein (p.Arg1244Gly). The arginine residue is highly conserved and there is a moderate physicochemical difference between arginine and glycine.

NM_004415.4(DSP):c.3730A>G (p.Arg1244Gly)

Gene: DSP (desmoplakin; plus strand). Cytogenetic location: 6p24.3.
Variant type: single nucleotide variant.
Coding change: c.3730A>G on transcript NM_004415.4 (MANE Select); coding-DNA position 3730, A replaced by G.
Protein change: p.Arg1244Gly; replaces arginine 1244 with glycine.
Molecular consequence: missense variant. On other transcripts: intron variant (1).
Genome position (GRCh38, 1-based): chr6:7,579,920, A>G. VCF-style: chr6-7579920-A-G. GRCh37 (hg19) VCF-style: chr6-7580153-A-G.
Other names: c.3730A>G, p.Arg1244Gly (NM_001319034.2); c.3582+148A>G (NM_001008844.3); short protein forms R1244G.
Identifiers: ClinVar variation 1482708 (VCV001482708.6), dbSNP rs2113692494, ClinGen allele CA362684730.